The following is an entry in ClinVar:

ClinVar aggregate classification (germline): Uncertain significance (1 of 4 stars; one submission).

Conditions:
Charcot-Marie-Tooth disease type 4. Also called: Charcot-Marie-Tooth disease, type IV; Charcot-Marie-Tooth, Type 4. Identifiers: Orphanet 64749, MedGen C4082197, MONDO:0018995.

gnomAD v4.1: 8 of 1,614,088 alleles (0.0005%); highest among the groups gnomAD compares: African/African-American, 0.011%; no homozygotes.

Submission:

Labcorp Genetics (formerly Invitae), Labcorp
Classification: Uncertain significance for Charcot-Marie-Tooth disease type 4. Last evaluated: 2022-10-26. Review status: criteria provided, single submitter. Criteria: Invitae Variant Classification Sherloc (09022015). Collection method: clinical testing. Allele origin: germline.
Comment: This sequence change replaces lysine, which is basic and polar, with threonine, which is neutral and polar, at codon 53 of the NDRG1 protein (p.Lys53Thr). This variant is present in population databases (no rsID available, gnomAD 0.01%). This variant has not been reported in the literature in individuals affected with NDRG1-related conditions. Advanced modeling of protein sequence and biophysical properties (such as structural, functional, and spatial information, amino acid conservation, physicochemical variation, residue mobility, and thermodynamic stability) performed at Invitae indicates that this missense variant is not expected to disrupt NDRG1 protein function. In summary, the available evidence is currently insufficient to determine the role of this variant in disease. Therefore, it has been classified as a Variant of Uncertain Significance.

NM_006096.4(NDRG1):c.158A>C (p.Lys53Thr)

Gene: NDRG1 (N-myc downstream regulated 1; minus strand). Cytogenetic location: 8q24.22.
Variant type: single nucleotide variant.
Coding change: c.158A>C on transcript NM_006096.4 (MANE Select); coding-DNA position 158, A replaced by C.
Protein change: p.Lys53Thr; replaces lysine 53 with threonine.
Molecular consequence: missense variant. On other transcripts: 5 prime UTR variant (2), intron variant (1).
Genome position (GRCh38, 1-based): chr8:133,264,594, T>G on the plus strand (A>C on the coding strand, the complement: NDRG1 is on the minus strand). VCF-style: chr8-133264594-T-G. GRCh37 (hg19) VCF-style: chr8-134276837-T-G.
Other names: c.158A>C, p.Lys53Thr (NM_001135242.2, NM_001374844.1, NM_001374845.1 and 1 more transcripts); c.-41A>C (NM_001258432.2, NM_001374847.1); c.-38-2427A>C (NM_001258433.2); short protein forms K53T.
Identifiers: ClinVar variation 1913862 (VCV001913862.2), dbSNP rs140634799, ClinGen allele CA186384957.
Genomic context (GRCh38, chr8:133,264,594, plus strand): 5'-CCTCAGAACTTACGGTTCATGCCGATGTCATGGTAGGTGAGGATGACAGGCCGGTTTCCC[T>G]TGGGAGTCCCACACAGCGTGACGTGAACAGAGCCATGTAAAGTCTCGATGTCCTGCTCCT-3'
Protein context (NP_006087.2, residues 43-63): SVHVTLCGTP[Lys53Thr]GNRPVILTYH